The following is an entry in ClinVar:

NM_015335.5(MED13L):c.3227G>A (p.Ser1076Asn)

Gene: MED13L (mediator complex subunit 13L; minus strand). Cytogenetic location: 12q24.21.
Variant type: single nucleotide variant.
Coding change: c.3227G>A on transcript NM_015335.5 (MANE Select); coding-DNA position 3227, G replaced by A.
Protein change: p.Ser1076Asn; replaces serine 1076 with asparagine.
Molecular consequence: missense variant.
Genome position (GRCh38, 1-based): chr12:115,991,727, C>T on the plus strand (G>A on the coding strand, the complement: MED13L is on the minus strand). VCF-style: chr12-115991727-C-T. GRCh37 (hg19) VCF-style: chr12-116429532-C-T.
Other names: short protein forms S1076N.
Identifiers: ClinVar variation 982677 (VCV000982677.3), dbSNP rs1878075866, ClinGen allele CA386888630.

ClinVar aggregate classification (germline): Conflicting classifications of pathogenicity. Review status: criteria provided, conflicting classifications (1 of 4 stars). 2 submissions from 2 submitters: Uncertain significance (1); Likely benign (1). Last evaluated 2024-05-01.

Conditions:
Dextro-looped transposition of the great arteries. Also called: Dextrotransposition of the great arteries. Identifiers: Orphanet 860, MedGen C3531771, MONDO:0019443, OMIM 608808, HP:0031348.
Cardiac anomalies - developmental delay - facial dysmorphism syndrome (MRFACD). Also called: Impaired intellectual development and distinctive facial features with or without cardiac defects; MED13L Syndrome. Identifiers: Orphanet 369891, MedGen C5192431, MONDO:0014773, OMIM 616789.

Submissions (2):

Labcorp Genetics (formerly Invitae), Labcorp
Classification: Uncertain significance for Dextro-looped transposition of the great arteries. Last evaluated: 2024-05-01. Review status: criteria provided, single submitter. Criteria: Invitae Variant Classification Sherloc (09022015). Collection method: clinical testing. Allele origin: germline.
Comment: This sequence change replaces serine, which is neutral and polar, with asparagine, which is neutral and polar, at codon 1076 of the MED13L protein (p.Ser1076Asn). This variant is not present in population databases (gnomAD no frequency). This variant has not been reported in the literature in individuals affected with MED13L-related conditions. ClinVar contains an entry for this variant (Variation ID: 982677). Advanced modeling of protein sequence and biophysical properties (such as structural, functional, and spatial information, amino acid conservation, physicochemical variation, residue mobility, and thermodynamic stability) performed at Invitae indicates that this missense variant is not expected to disrupt MED13L protein function with a negative predictive value of 80%. In summary, the available evidence is currently insufficient to determine the role of this variant in disease. Therefore, it has been classified as a Variant of Uncertain Significance.

Institute of Human Genetics, University of Leipzig Medical Center
Classification: Likely benign for Cardiac anomalies - developmental delay - facial dysmorphism syndrome. Last evaluated: 2019-01-01. Review status: criteria provided, single submitter. Criteria: ACMG Guidelines, 2015. Collection method: clinical testing. Allele origin: unknown. Affected: no.